The following is an entry in ClinVar:

ClinVar aggregate classification (germline): Uncertain significance (1 of 4 stars; one submission).

Conditions:
Gastrointestinal stromal tumor. Also called: Gastrointestinal stromal tumor, somatic; Gastrointestinal stroma tumor. Identifiers: Orphanet 44890, MedGen C0238198, MeSH D046152, MONDO:0011719, OMIM 606764, HP:0100723.

Submission:

Labcorp Genetics (formerly Invitae), Labcorp
Classification: Uncertain significance for Gastrointestinal stromal tumor. Last evaluated: 2023-09-03. Review status: criteria provided, single submitter. Criteria: Invitae Variant Classification Sherloc (09022015). Collection method: clinical testing. Allele origin: germline.
Comment: In summary, the available evidence is currently insufficient to determine the role of this variant in disease. Therefore, it has been classified as a Variant of Uncertain Significance. Advanced modeling of protein sequence and biophysical properties (such as structural, functional, and spatial information, amino acid conservation, physicochemical variation, residue mobility, and thermodynamic stability) performed at Invitae indicates that this missense variant is not expected to disrupt PDGFRA protein function. This variant has not been reported in the literature in individuals affected with PDGFRA-related conditions. This variant is not present in population databases (gnomAD no frequency). This sequence change replaces serine, which is neutral and polar, with cysteine, which is neutral and slightly polar, at codon 67 of the PDGFRA protein (p.Ser67Cys).

NM_006206.6(PDGFRA):c.200C>G (p.Ser67Cys)

Gene: PDGFRA (platelet derived growth factor receptor alpha; plus strand). Cytogenetic location: 4q12.
Variant type: single nucleotide variant.
Coding change: c.200C>G on transcript NM_006206.6 (MANE Select); coding-DNA position 200, C replaced by G.
Protein change: p.Ser67Cys; replaces serine 67 with cysteine.
Molecular consequence: missense variant.
Genome position (GRCh38, 1-based): chr4:54,261,245, C>G. VCF-style: chr4-54261245-C-G. GRCh37 (hg19) VCF-style: chr4-55127412-C-G.
Other names: c.200C>G, p.Ser67Cys (NM_001347827.2, NM_001347829.2); c.275C>G, p.Ser92Cys (NM_001347828.2); c.239C>G, p.Ser80Cys (NM_001347830.2); short protein forms S67C, S80C, S92C.
Identifiers: ClinVar variation 2808151 (VCV002808151.3), dbSNP rs2475422256, ClinGen allele CA356888478.
Genomic context (GRCh38, chr4:54,261,245, plus strand): 5'-TGAGATGCTTTGGGGAGAGTGAAGTGAGCTGGCAGTACCCCATGTCTGAAGAAGAGAGCT[C>G]CGATGTGGAAATCAGAAATGAAGAAAACAACAGCGGCCTTTTTGTGACGGTCTTGGAAGT-3'
Protein context (NP_006197.1, residues 57-77): WQYPMSEEES[Ser67Cys]DVEIRNEENN